The following is an entry in ClinVar:

NM_020297.4(ABCC9):c.2644-11G>C

Gene: ABCC9 (ATP binding cassette subfamily C member 9; minus strand). Cytogenetic location: 12p12.1.
Variant type: single nucleotide variant.
Coding change: c.2644-11G>C on transcript NM_020297.4 (MANE Select); 11 bases into the intron before coding-DNA position 2644, G replaced by C.
Molecular consequence: intron variant.
Genome position (GRCh38, 1-based): chr12:21,852,233, C>G on the plus strand (G>C on the coding strand, the complement: ABCC9 is on the minus strand). VCF-style: chr12-21852233-C-G. GRCh37 (hg19) VCF-style: chr12-22005167-C-G.
Other names: c.1777-11G>C (NM_001377274.1); c.2644-11G>C (NM_005691.4, NM_001377273.1).
Identifiers: ClinVar variation 162687 (VCV000162687.15), dbSNP rs61926078, ClinGen allele CA175152.

ClinVar aggregate classification (germline): Conflicting classifications of pathogenicity. Review status: criteria provided, conflicting classifications (1 of 4 stars). 4 submissions from 4 submitters: Uncertain significance (1); Likely benign (3). Last evaluated 2026-01-28.

Conditions:
Dilated cardiomyopathy 1O (CMD1O). Also called: CARDIOMYOPATHY, DILATED, WITH VENTRICULAR TACHYCARDIA. Identifiers: Orphanet 154, MedGen C1837839, MONDO:0012062, OMIM 608569.

Allele frequency attached by ClinVar (database versions not stated): TOPMed 0.00012; 1000 Genomes Project 30x 0.00016.
gnomAD v4.1: 34 of 1,613,674 alleles (0.0021%); highest among the groups gnomAD compares: African/African-American, 0.037%; no homozygotes.

Submissions (4):

Labcorp Genetics (formerly Invitae), Labcorp
Classification: Likely benign for Dilated cardiomyopathy 1O. Last evaluated: 2026-01-28. Review status: criteria provided, single submitter. Criteria: Invitae Variant Classification Sherloc (09022015). Collection method: clinical testing. Allele origin: germline.

ARUP Laboratories, Molecular Genetics and Genomics, ARUP Laboratories
Classification: Likely benign. Last evaluated: 2025-04-08. Review status: criteria provided, single submitter. Criteria: ARUP Molecular Germline Variant Investigation Process 2024. Collection method: clinical testing. Allele origin: germline.

GeneDx
Classification: Likely benign. Last evaluated: 2020-02-19. Review status: criteria provided, single submitter. Criteria: GeneDx Variant Classification Process June 2021. Collection method: clinical testing. Allele origin: germline. Affected: yes.

Laboratory for Molecular Medicine, Mass General Brigham Personalized Medicine
Classification: Uncertain significance. Last evaluated: 2015-05-16. Review status: criteria provided, single submitter. Criteria: LMM Criteria. Collection method: clinical testing. Allele origin: germline. Observed: 1 variant allele.
Comment: The c.2644-11G>C variant in ABCC9 has not been reported in any other families wi th DCM, but has been identified in 2/10322 African chromosomes by the Exome Aggr egation Consortium (ExAC). This variant is locat ed in the 3' splice region. Although computational tools do not suggest an impac t to splicing, this information is not predictive enough to rule out pathogenici ty. In summary, the clinical significance of the c.2644-11G>C variant is uncerta in.